The following is an entry in ClinVar:

ClinVar aggregate classification (germline): Uncertain significance (1 of 4 stars; one submission).

Allele frequency attached by ClinVar (database versions not stated): gnomAD exomes below 0.00001; gnomAD 0.00001; TOPMed 0.00001.
gnomAD v4.1: 6 of 1,551,702 alleles (0.00039%); highest among the groups gnomAD compares: African/African-American, 0.0055%; no homozygotes.

Submission:

Labcorp Genetics (formerly Invitae), Labcorp
Classification: Uncertain significance. Last evaluated: 2023-08-29. Review status: criteria provided, single submitter. Criteria: Invitae Variant Classification Sherloc (09022015). Collection method: clinical testing. Allele origin: germline.
Comment: In summary, the available evidence is currently insufficient to determine the role of this variant in disease. Therefore, it has been classified as a Variant of Uncertain Significance. Algorithms developed to predict the effect of sequence changes on RNA splicing suggest that this variant may disrupt the consensus splice site. This variant has not been reported in the literature in individuals affected with KPNA7-related conditions. This variant is not present in population databases (gnomAD no frequency). This sequence change affects codon 88 of the KPNA7 mRNA. It is a 'silent' change, meaning that it does not change the encoded amino acid sequence of the KPNA7 protein.

NM_001145715.3(KPNA7):c.264C>T (p.Phe88=)

Gene: KPNA7 (karyopherin subunit alpha 7; minus strand). Cytogenetic location: 7q22.1.
Variant type: single nucleotide variant.
Coding change: c.264C>T on transcript NM_001145715.3 (MANE Select); coding-DNA position 264, C replaced by T.
Protein change: p.Phe88=; no amino-acid change (phenylalanine 88 retained).
Molecular consequence: synonymous variant.
Genome position (GRCh38, 1-based): chr7:99,196,104, G>A on the plus strand (C>T on the coding strand, the complement: KPNA7 is on the minus strand). VCF-style: chr7-99196104-G-A. GRCh37 (hg19) VCF-style: chr7-98793727-G-A.
Identifiers: ClinVar variation 2904228 (VCV002904228.3), dbSNP rs1023017126, ClinGen allele CA163746746.